The following is an entry in ClinVar:

ClinVar aggregate classification (germline): Uncertain significance. Review status: criteria provided, multiple submitters, no conflicts (2 of 4 stars). 2 submissions from 2 submitters: Uncertain significance (2). Last evaluated 2025-08-21.

Conditions:
Candidiasis, familial, 9 (CANDF9). Identifiers: Orphanet 1334, MedGen C4225324, MONDO:0014642, OMIM 616445.

Allele frequency attached by ClinVar (database versions not stated): gnomAD exomes below 0.00001.

Submissions (2):

Ambry Genetics
Classification: Uncertain significance. Last evaluated: 2025-08-21. Review status: criteria provided, single submitter. Criteria: Ambry Variant Classification Scheme 2023. Collection method: clinical testing. Allele origin: germline.

Labcorp Genetics (formerly Invitae), Labcorp
Classification: Uncertain significance for Candidiasis, familial, 9. Last evaluated: 2024-10-24. Review status: criteria provided, single submitter. Criteria: Invitae Variant Classification Sherloc (09022015). Collection method: clinical testing. Allele origin: germline.
Comment: This sequence change replaces glycine, which is neutral and non-polar, with aspartic acid, which is acidic and polar, at codon 655 of the IL17RC protein (p.Gly655Asp). This variant is not present in population databases (gnomAD no frequency). This variant has not been reported in the literature in individuals affected with IL17RC-related conditions. ClinVar contains an entry for this variant (Variation ID: 2162682). An algorithm developed to predict the effect of missense changes on protein structure and function (PolyPhen-2) suggests that this variant is likely to be disruptive. In summary, the available evidence is currently insufficient to determine the role of this variant in disease. Therefore, it has been classified as a Variant of Uncertain Significance.

NM_153460.4(IL17RC):c.1751G>A (p.Gly584Asp)

Gene: IL17RC (interleukin 17 receptor C; plus strand). Cytogenetic location: 3p25.3.
Variant type: single nucleotide variant.
Coding change: c.1751G>A on transcript NM_153460.4 (MANE Select); coding-DNA position 1751, G replaced by A.
Protein change: p.Gly584Asp; replaces glycine 584 with aspartic acid.
Molecular consequence: missense variant. On other transcripts: non-coding transcript variant (1).
Genome position (GRCh38, 1-based): chr3:9,933,181, G>A. VCF-style: chr3-9933181-G-A. GRCh37 (hg19) VCF-style: chr3-9974865-G-A.
Other names: c.1712G>A, p.Gly571Asp (NM_001203263.2); c.1661G>A, p.Gly554Asp (NM_001203264.2); c.1655G>A, p.Gly552Asp (NM_001203265.2); c.1673G>A, p.Gly558Asp (NM_001367278.1); c.1592G>A, p.Gly531Asp (NM_001367279.1); c.1667G>A, p.Gly556Asp (NM_001367280.1); c.1616G>A, p.Gly539Asp (NM_001410711.1); c.1706G>A, p.Gly569Asp (NM_032732.6); and 2 more; short protein forms G531D, G539D, G556D, G558D, G571D, G552D, G569D, G584D.
Identifiers: ClinVar variation 2162682 (VCV002162682.5), dbSNP rs2470440465, ClinGen allele CA351705838.